The following is an entry in ClinVar:

NM_003074.4(SMARCC1):c.1901C>T (p.Ala634Val)

Gene: SMARCC1 (SWI/SNF related BAF chromatin remodeling complex subunit C1; minus strand). Cytogenetic location: 3p21.31.
Variant type: single nucleotide variant.
Coding change: c.1901C>T on transcript NM_003074.4 (MANE Select); coding-DNA position 1901, C replaced by T.
Protein change: p.Ala634Val; replaces alanine 634 with valine.
Molecular consequence: missense variant.
Genome position (GRCh38, 1-based): chr3:47,662,591, G>A on the plus strand (C>T on the coding strand, the complement: SMARCC1 is on the minus strand). VCF-style: chr3-47662591-G-A. GRCh37 (hg19) VCF-style: chr3-47704081-G-A.
Other names: short protein forms A634V.
Identifiers: ClinVar variation 4538808 (VCV004538808.1).

ClinVar aggregate classification (germline): Uncertain significance (1 of 4 stars; one submission).

Submission:

GeneDx
Classification: Uncertain significance. Last evaluated: 2025-06-18. Review status: criteria provided, single submitter. Criteria: GeneDx Variant Classification Process June 2021. Collection method: clinical testing. Allele origin: germline. Affected: yes.
Comment: Not observed at significant frequency in large population cohorts (gnomAD); In silico analysis supports that this missense variant has a deleterious effect on protein structure/function; Has not been previously published as pathogenic or benign to our knowledge